The following is an entry in ClinVar:

NM_022436.3(ABCG5):c.963A>C (p.Arg321Ser)

Genes: ABCG5 (ATP binding cassette subfamily G member 5; minus strand), DYNC2LI1 (dynein cytoplasmic 2 light intermediate chain 1; plus strand). Cytogenetic location: 2p21.
Variant type: single nucleotide variant.
Coding change: c.963A>C on transcript NM_022436.3 (MANE Select); coding-DNA position 963, A replaced by C.
Protein change: p.Arg321Ser; replaces arginine 321 with serine.
Molecular consequence: missense variant. On other transcripts: intron variant (2).
Genome position (GRCh38, 1-based): chr2:43,824,374, T>G on the plus strand (A>C on the coding strand, the complement: ABCG5 is on the minus strand). VCF-style: chr2-43824374-T-G. GRCh37 (hg19) VCF-style: chr2-44051513-T-G.
Other names: c.*16-3012T>G (NM_001348913.2, NM_001348912.2); short protein forms R321S.
Identifiers: ClinVar variation 1038587 (VCV001038587.9), dbSNP rs1667456050, ClinGen allele CA346664806.

ClinVar aggregate classification (germline): Uncertain significance (1 of 4 stars; one submission).

Conditions:
Sitosterolemia (STSL). Also called: PHYTOSTEROLEMIA. Identifiers: Orphanet 2882, MedGen C0342907, MONDO:0008863.

Allele frequency attached by ClinVar (database versions not stated): gnomAD exomes below 0.00001.
gnomAD v4.1: 1 of 1,614,214 alleles (0.000062%); highest among the groups gnomAD compares: Non-Finnish European, 0.000085%; no homozygotes.

Submission:

Labcorp Genetics (formerly Invitae), Labcorp
Classification: Uncertain significance for Sitosterolemia. Last evaluated: 2020-07-31. Review status: criteria provided, single submitter. Criteria: Invitae Variant Classification Sherloc (09022015). Collection method: clinical testing. Allele origin: germline.
Comment: In summary, the available evidence is currently insufficient to determine the role of this variant in disease. Therefore, it has been classified as a Variant of Uncertain Significance. Algorithms developed to predict the effect of missense changes on protein structure and function (SIFT, PolyPhen-2, Align-GVGD) all suggest that this variant is likely to be disruptive, but these predictions have not been confirmed by published functional studies and their clinical significance is uncertain. This variant has not been reported in the literature in individuals with ABCG5-related conditions. This variant is not present in population databases (ExAC no frequency). This sequence change replaces arginine with serine at codon 321 of the ABCG5 protein (p.Arg321Ser). The arginine residue is highly conserved and there is a moderate physicochemical difference between arginine and serine.